The following is an entry in ClinVar:

NM_000051.4(ATM):c.8756G>A (p.Gly2919Asp)

Genes: ATM (ATM serine/threonine kinase; plus strand), C11orf65 (chromosome 11 open reading frame 65; minus strand). Cytogenetic location: 11q22.3.
Variant type: single nucleotide variant.
Coding change: c.8756G>A on transcript NM_000051.4 (MANE Select); coding-DNA position 8756, G replaced by A.
Protein change: p.Gly2919Asp; replaces glycine 2919 with aspartic acid.
Molecular consequence: missense variant. On other transcripts: intron variant (2).
Genome position (GRCh38, 1-based): chr11:108,353,850, G>A. VCF-style: chr11-108353850-G-A. GRCh37 (hg19) VCF-style: chr11-108224577-G-A.
Other names: c.8756G>A, p.Gly2919Asp (NM_001351834.2); c.640+32070C>T (NM_001330368.2); c.695-18558C>T (NM_001351110.2); short protein forms G2919D.
Identifiers: ClinVar variation 1407050 (VCV001407050.8), dbSNP rs2137294046, ClinGen allele CA382524115.

ClinVar aggregate classification (germline): Uncertain significance. Review status: criteria provided, multiple submitters, no conflicts (2 of 4 stars). 3 submissions from 3 submitters: Uncertain significance (3). Last evaluated 2023-11-06.

Conditions:
Ataxia-telangiectasia syndrome (AT). Also called: Ataxia-telangiectasia; LOUIS-BAR SYNDROME; Ataxia-telangiectasia, complementation group D; AT, COMPLEMENTATION GROUP C; ATAXIA-TELANGIECTASIA, COMPLEMENTATION GROUP A; ATAXIA-TELANGIECTASIA, FRESNO VARIANT. Identifiers: Orphanet 100, MedGen C0004135, MONDO:0008840, OMIM 208900.
Hereditary cancer-predisposing syndrome. Also called: Tumor predisposition; Neoplastic Syndromes, Hereditary; Hereditary Cancer Syndrome; Hereditary neoplastic syndrome. Identifiers: Orphanet 140162, MedGen C0027672, MeSH D009386, MONDO:0015356.
Familial cancer of breast. Also called: BREAST CANCER, FAMILIAL; Hereditary breast cancer; hereditary breast carcinoma. Identifiers: Orphanet 227535, MedGen C0346153, MONDO:0016419, OMIM 114480. Disease mechanism: loss of function.

Submissions (3):

Labcorp Genetics (formerly Invitae), Labcorp
Classification: Uncertain significance for Ataxia-telangiectasia syndrome. Last evaluated: 2023-11-06. Review status: criteria provided, single submitter. Criteria: Invitae Variant Classification Sherloc (09022015). Collection method: clinical testing. Allele origin: germline.
Comment: This sequence change replaces glycine, which is neutral and non-polar, with aspartic acid, which is acidic and polar, at codon 2919 of the ATM protein (p.Gly2919Asp). This variant is not present in population databases (gnomAD no frequency). This missense change has been observed in individual(s) with ataxia-telangiectasia (PMID: 19147735). ClinVar contains an entry for this variant (Variation ID: 1407050). An algorithm developed to predict the effect of missense changes on protein structure and function (PolyPhen-2) suggests that this variant is likely to be disruptive. In summary, the available evidence is currently insufficient to determine the role of this variant in disease. Therefore, it has been classified as a Variant of Uncertain Significance.

Ambry Genetics
Classification: Uncertain significance for Hereditary cancer-predisposing syndrome. Last evaluated: 2023-07-19. Review status: criteria provided, single submitter. Criteria: Ambry Variant Classification Scheme 2023. Collection method: clinical testing. Allele origin: germline.
Comment: The p.G2919D variant (also known as c.8756G>A), located in coding exon 59 of the ATM gene, results from a G to A substitution at nucleotide position 8756. The glycine at codon 2919 is replaced by aspartic acid, an amino acid with similar properties. This alteration was reportedly detected in an A-T patient who was also positive for an ATM 1215delT alteration; however, the phase (whether in cis or trans) is not known (Nahas SA et al. Clin Chem, 2009 Mar;55:463-72). This amino acid position is highly conserved in available vertebrate species. In addition, this alteration is predicted to be deleterious by in silico analysis. Since supporting evidence is limited at this time, the clinical significance of this alteration remains unclear.

Juno Genomics, Hangzhou Juno Genomics, Inc
Classification: Uncertain significance for Ataxia-telangiectasia syndrome; Familial cancer of breast. Review status: criteria provided, single submitter. Criteria: ACMG Guidelines, 2015. Collection method: clinical testing. Allele origin: germline. Affected: yes.
Comment: Absent from controls (or at extremely low frequency if recessive) in Genome Aggregation Database, Exome Sequencing Project, 1000 Genomes Project, or Exome Aggregation Consortium.;Multiple lines of computational evidence support a deleterious effect on the gene or gene product (conservation, evolutionary, splicing impact, etc).

Literature cited by the submitters: PubMed 19147735 (cited by Labcorp Genetics (formerly Invitae), Labcorp and Ambry Genetics).